The following is an entry in ClinVar:

NM_016343.4(CENPF):c.6062C>G (p.Ser2021Cys)

Gene: CENPF (centromere protein F; plus strand). Cytogenetic location: 1q41.
Variant type: single nucleotide variant.
Coding change: c.6062C>G on transcript NM_016343.4 (MANE Select); coding-DNA position 6062, C replaced by G.
Protein change: p.Ser2021Cys; replaces serine 2021 with cysteine.
Molecular consequence: missense variant.
Genome position (GRCh38, 1-based): chr1:214,645,632, C>G. VCF-style: chr1-214645632-C-G. GRCh37 (hg19) VCF-style: chr1-214818975-C-G.
Other names: short protein forms S2021C.
Identifiers: ClinVar variation 1501712 (VCV001501712.6), dbSNP rs762653487, ClinGen allele CA1390901.

ClinVar aggregate classification (germline): Uncertain significance (1 of 4 stars; one submission).

Allele frequency attached by ClinVar (database versions not stated): gnomAD exomes below 0.00001 and 0.00001; TOPMed below 0.00001; ExAC 0.00002.
gnomAD v4.1: 5 of 1,614,112 alleles (0.00031%); highest among the groups gnomAD compares: Admixed American, 0.005%; no homozygotes.

Submission:

Labcorp Genetics (formerly Invitae), Labcorp
Classification: Uncertain significance. Last evaluated: 2022-08-10. Review status: criteria provided, single submitter. Criteria: Invitae Variant Classification Sherloc (09022015). Collection method: clinical testing. Allele origin: germline.
Comment: This sequence change replaces serine, which is neutral and polar, with cysteine, which is neutral and slightly polar, at codon 2021 of the CENPF protein (p.Ser2021Cys). This variant is present in population databases (rs762653487, gnomAD 0.006%). In summary, the available evidence is currently insufficient to determine the role of this variant in disease. Therefore, it has been classified as a Variant of Uncertain Significance. Algorithms developed to predict the effect of missense changes on protein structure and function are either unavailable or do not agree on the potential impact of this missense change (SIFT: "Deleterious"; PolyPhen-2: "Probably Damaging"; Align-GVGD: "Class C0"). ClinVar contains an entry for this variant (Variation ID: 1501712). This variant has not been reported in the literature in individuals affected with CENPF-related conditions.